The following is an entry in ClinVar:

ClinVar aggregate classification (germline): Likely benign (1 of 4 stars; one submission).

gnomAD v4.1: 8 of 1,612,928 alleles (0.0005%); highest among the groups gnomAD compares: East Asian, 0.011%; no homozygotes.

Submission:

CeGaT Center for Human Genetics Tuebingen
Classification: Likely benign. Last evaluated: 2026-06-01. Review status: criteria provided, single submitter. Criteria: CeGaT Center For Human Genetics Tuebingen Variant Classification Criteria Version 2. Collection method: clinical testing. Allele origin: germline. Affected: yes. Observed: 1 variant allele.
Comment: COL12A1: BP4

NM_004370.6(COL12A1):c.7520-8C>T

Gene: COL12A1 (collagen type XII alpha 1 chain; minus strand). Cytogenetic location: 6q13.
Variant type: single nucleotide variant.
Coding change: c.7520-8C>T on transcript NM_004370.6 (MANE Select); 8 bases into the intron before coding-DNA position 7520, C replaced by T.
Molecular consequence: intron variant.
Genome position (GRCh38, 1-based): chr6:75,116,065, G>A on the plus strand (C>T on the coding strand, the complement: COL12A1 is on the minus strand). VCF-style: chr6-75116065-G-A. GRCh37 (hg19) VCF-style: chr6-75825781-G-A.
Other names: c.4028-8C>T (NM_001424116.1, NM_080645.3); c.7247-8C>T (NM_001424115.1); c.7499-8C>T (NM_001424114.1); c.7520-8C>T (NM_001424113.1).
Identifiers: ClinVar variation 4872257 (VCV004872257.2).
Genomic context (GRCh38, chr6:75,116,065, plus strand): 5'-GTATAAATGCTTACCTGGTGAGGTGTAGCCATCCAAATAAATGAGAGGACAACCTGCAAT[G>A]TACAGTGTTCTTTAAGTATGATTCACCAACACGATGTACAAATTATATATGCACAGAAAG-3'